The following is an entry in ClinVar:

NM_014921.5(ADGRL1):c.80G>A (p.Arg27Gln)

Gene: ADGRL1 (adhesion G protein-coupled receptor L1; minus strand). Cytogenetic location: 19p13.12.
Variant type: single nucleotide variant.
Coding change: c.80G>A on transcript NM_014921.5 (MANE Select); coding-DNA position 80, G replaced by A.
Protein change: p.Arg27Gln; replaces arginine 27 with glutamine.
Molecular consequence: missense variant.
Genome position (GRCh38, 1-based): chr19:14,177,735, C>T on the plus strand (G>A on the coding strand, the complement: ADGRL1 is on the minus strand). VCF-style: chr19-14177735-C-T. GRCh37 (hg19) VCF-style: chr19-14288547-C-T.
Other names: c.80G>A, p.Arg27Gln (NM_001008701.3); c.80G>A (NM_001008701.2); short protein forms R27Q.
Identifiers: ClinVar variation 3236589 (VCV003236589.2), dbSNP rs1256138949, ClinGen allele CA404420644.

ClinVar aggregate classification (germline): Uncertain significance. Review status: criteria provided, multiple submitters, no conflicts (2 of 4 stars). 2 submissions from 2 submitters: Uncertain significance (2). Last evaluated 2024-08-07.

Conditions:
Inborn genetic diseases. Identifiers: MedGen C0950123, MeSH D030342.
Developmental delay, behavioral abnormalities, and neuropsychiatric disorders (DEDBANP). Identifiers: MedGen C5774224, MONDO:0859292, OMIM 620065.

Submissions (2):

Ambry Genetics
Classification: Uncertain significance for Inborn genetic diseases. Last evaluated: 2024-08-07. Review status: criteria provided, single submitter. Criteria: Ambry Variant Classification Scheme 2023. Collection method: clinical testing. Allele origin: germline.

Clinical Genomics Laboratory, Washington University in St. Louis
Classification: Uncertain significance for Developmental delay, behavioral abnormalities, and neuropsychiatric disorders. Last evaluated: 2023-12-01. Review status: criteria provided, single submitter. Criteria: ACMG Guidelines, 2015. Collection method: clinical testing. Allele origin: germline.
Comment: The ADGRL1 c.80G>A (p.Arg27Gln) variant, to our knowledge, has not been reported in the medical literature and is only observed on 5/1,458,806 alleles in the general population (gnomAD v.4.0.0), indicating it is not a common variant. This variant occurs in a domain that is predicted to be unstructured, changes a positively charged arginine to a polar glutamine, and computational predictors are uncertain as to the impact of this variant on ADGRL1 function. Due to limited information, and based on ACMG/AMP guidelines for variant interpretation (Richards S et al., PMID: 25741868), the clinical significance of this variant is uncertain at this time.